The following is an entry in ClinVar:

ClinVar aggregate classification (germline): Pathogenic (1 of 4 stars; one submission).

Submission:

Labcorp Genetics (formerly Invitae), Labcorp
Classification: Pathogenic. Last evaluated: 2022-04-23. Review status: criteria provided, single submitter. Criteria: Invitae Variant Classification Sherloc (09022015). Collection method: clinical testing. Allele origin: germline.
Comment: For these reasons, this variant has been classified as Pathogenic. This variant has not been reported in the literature in individuals affected with PAFAH1B1-related conditions. This sequence change creates a premature translational stop signal (p.His233Glnfs*22) in the PAFAH1B1 gene. It is expected to result in an absent or disrupted protein product. Loss-of-function variants in PAFAH1B1 are known to be pathogenic (PMID: 1671808, 11115846, 14581661). This variant is not present in population databases (gnomAD no frequency).

Literature cited by the submitters: PubMed 1671808; PubMed 11115846; PubMed 14581661.

NM_000430.4(PAFAH1B1):c.699_700del (p.His233fs)

Gene: PAFAH1B1 (platelet activating factor acetylhydrolase 1b regulatory subunit 1; plus strand). Cytogenetic location: 17p13.3.
Variant type: Microsatellite.
Coding change: c.699_700del on transcript NM_000430.4 (MANE Select); coding-DNA positions 699 to 700, 2 bases deleted (CA; older notation c.699_700delCA).
Protein change: p.His233fs; shifts the reading frame from histidine 233.
Molecular consequence: frameshift variant.
Genome position (GRCh38, 1-based): chr17:2,674,087-2,674,088, CA deleted; deleting any 2 consecutive bases within chr17:2,674,084-2,674,088 gives the same sequence; the c. name uses the placement nearest the transcript's 3' end. VCF-style (leftmost placement, unchanged base first): chr17-2674083-GAC-G. GRCh37 (hg19) VCF-style: chr17-2577377-GAC-G.
Other names: short protein forms H233fs.
Identifiers: ClinVar variation 2129665 (VCV002129665.4), dbSNP rs2544106241, ClinGen allele CA2580613960.